The following is an entry in ClinVar:

GRCh37/hg19 4p16.3-16.1(chr4:72139-6072138)x1

Genes: SLC75A1 (solute carrier family 75 member 1; minus strand), MYL5 (myosin light chain 5; plus strand), MSANTD1 (Myb/SANT DNA binding domain containing 1; plus strand), RNF212 (ring finger protein 212; minus strand), NKX1-1 (NK1 homeobox 1; minus strand) and 64 more. Cytogenetic location: 4p16.3-16.1.
Variant type: copy number loss.
Change: copy number 1 (one copy instead of two) of chr4:72,139-6,072,138 (6.00 Mb, GRCh37 coordinates, 1-based), cytogenetic band 4p16.3-16.1.
Identifiers: ClinVar variation 4849858 (VCV004849858.1).

ClinVar aggregate classification (germline): Pathogenic (1 of 4 stars; one submission).

Conditions:
4p partial monosomy syndrome (WHS). Also called: CHROMOSOME 4p16.3 DELETION SYNDROME; PITT SYNDROME; Wolf-Hirschhorn syndrome; WITTWER SYNDROME. Identifiers: Orphanet 280, MedGen C1956097, MONDO:0008684, OMIM 194190.

Submission:

Division of Genetic & Genomic Pathology, Hong Kong Children's Hospital
Classification: Pathogenic for 4p partial monosomy syndrome. Last evaluated: 2024-07-16. Review status: criteria provided, single submitter. Criteria: ACMG/ClinGen CNV Guidelines, 2019. Collection method: clinical testing. Allele origin: germline. Affected: yes.
Comment: The 6Mb copy number loss in chromosome 4p16.3p16.1 involves 69 protein coding genes. It encompasses the Wolf-Hirschhorn syndrome (WHS) region with sufficient evidence for haploinsufficiency (ClinGen Dosage ID: ISCA-37429).